The following is an entry in ClinVar:

ClinVar aggregate classification (germline): Uncertain significance (1 of 4 stars; one submission).

Submission:

GeneDx
Classification: Uncertain significance. Last evaluated: 2023-12-19. Review status: criteria provided, single submitter. Criteria: GeneDx Variant Classification Process June 2021. Collection method: clinical testing. Allele origin: germline. Affected: yes.
Comment: Not observed at significant frequency in large population cohorts (gnomAD); Missense variants in this gene are a common cause of disease and they are underrepresented in the general population; In silico analysis supports that this missense variant does not alter protein structure/function; This substitution is predicted to be in the cytoplasmic loop between the first and second homologous domains; Has not been previously published as pathogenic or benign to our knowledge

NM_001040142.2(SCN2A):c.1435G>A (p.Gly479Arg)

Gene: SCN2A (sodium voltage-gated channel alpha subunit 2; plus strand). Cytogenetic location: 2q24.3.
Variant type: single nucleotide variant.
Coding change: c.1435G>A on transcript NM_001040142.2 (MANE Select); coding-DNA position 1435, G replaced by A.
Protein change: p.Gly479Arg; replaces glycine 479 with arginine.
Molecular consequence: missense variant.
Genome position (GRCh38, 1-based): chr2:165,315,522, G>A. VCF-style: chr2-165315522-G-A. GRCh37 (hg19) VCF-style: chr2-166172032-G-A.
Other names: c.1435G>A, p.Gly479Arg (NM_001040143.2, NM_001371246.1, NM_001371247.1 and 1 more transcripts); short protein forms G479R.
Identifiers: ClinVar variation 3370069 (VCV003370069.1).